The following is an entry in ClinVar:

ClinVar aggregate classification (germline): Uncertain significance. Review status: criteria provided, multiple submitters, no conflicts (2 of 4 stars). 2 submissions from 2 submitters: Uncertain significance (2). Last evaluated 2026-03-06.

Conditions:
Inborn genetic diseases. Identifiers: MedGen C0950123, MeSH D030342.

Submissions (2):

GeneDx
Classification: Uncertain significance. Last evaluated: 2026-03-06. Review status: criteria provided, single submitter. Criteria: GeneDx Variant Classification Process June 2021. Collection method: clinical testing. Allele origin: germline.
Comment: Not observed at significant frequency in large population cohorts (gnomAD); In silico analysis supports that this missense variant has a deleterious effect on protein structure/function; Has not been previously published as pathogenic or benign to our knowledge

Ambry Genetics
Classification: Uncertain significance for Inborn genetic diseases. Last evaluated: 2025-12-30. Review status: criteria provided, single submitter. Criteria: Ambry Variant Classification Scheme 2023. Collection method: clinical testing. Allele origin: germline.

NM_002069.6(GNAI1):c.827A>G (p.Glu276Gly)

Gene: GNAI1 (G protein subunit alpha i1; plus strand). Cytogenetic location: 7q21.11.
Variant type: single nucleotide variant.
Coding change: c.827A>G on transcript NM_002069.6 (MANE Select); coding-DNA position 827, A replaced by G.
Protein change: p.Glu276Gly; replaces glutamic acid 276 with glycine.
Molecular consequence: missense variant.
Genome position (GRCh38, 1-based): chr7:80,212,822, A>G. VCF-style: chr7-80212822-A-G. GRCh37 (hg19) VCF-style: chr7-79842138-A-G.
Other names: c.671A>G, p.Glu224Gly (NM_001256414.2); short protein forms E276G, E224G.
Identifiers: ClinVar variation 4838805 (VCV004838805.2).